The following is an entry in ClinVar:

NC_000017.10:g.(?_19575024)_(19575279_?)del

Gene: ALDH3A2 (aldehyde dehydrogenase 3 family member A2; plus strand). Cytogenetic location: 17p11.2.
Variant type: Deletion.
Identifiers: ClinVar variation 2422987 (VCV002422987.3).

ClinVar aggregate classification (germline): Pathogenic (1 of 4 stars; one submission).

Submission:

Labcorp Genetics (formerly Invitae), Labcorp
Classification: Pathogenic. Last evaluated: 2022-01-31. Review status: criteria provided, single submitter. Criteria: Invitae Variant Classification Sherloc (09022015). Collection method: clinical testing. Allele origin: germline.
Comment: This variant is a gross deletion of the genomic region encompassing exon(s) 9 of the ALDH3A2 gene. While this deletion is not anticipated to lead to nonsense mediated decay, it is expected to disrupt the C-terminus of the protein. A similar copy number variant has been observed in individuals with Sj√∂gren-Larsson syndrome (SLS) (PMID: 9829906, 31273323). For these reasons, this variant has been classified as Pathogenic.

Literature cited by the submitters: PubMed 9829906; PubMed 31273323.